The following is an entry in ClinVar:

ClinVar aggregate classification (germline): Uncertain significance (1 of 4 stars; one submission).

Submission:

Quest Diagnostics Nichols Institute San Juan Capistrano
Classification: Uncertain significance. Last evaluated: 2023-06-16. Review status: criteria provided, single submitter. Criteria: Quest Diagnostics criteria. Collection method: clinical testing. Allele origin: unknown.
Comment: To the best of our knowledge, this variant has not been reported in individuals with RAD50-related conditions in the published literature. It also has not been reported in large, multi-ethnic general populations (Genome Aggregation Database). Analysis of this variant using software algorithms for the prediction of the effect of nucleotide changes on RAD50 mRNA splicing yielded inconclusive findings . Based on the available information, we are unable to determine the clinical significance of this variant.

NM_005732.4(RAD50):c.3036+3A>G

Gene: RAD50 (RAD50 double strand break repair protein; plus strand). Cytogenetic location: 5q31.1.
Variant type: single nucleotide variant.
Coding change: c.3036+3A>G on transcript NM_005732.4 (MANE Select); 3 bases into the intron after coding-DNA position 3036, A replaced by G.
Molecular consequence: intron variant.
Genome position (GRCh38, 1-based): chr5:132,609,399, A>G. VCF-style: chr5-132609399-A-G. GRCh37 (hg19) VCF-style: chr5-131945091-A-G.
Identifiers: ClinVar variation 2682065 (VCV002682065.1), dbSNP rs2479371880, ClinGen allele CA2675218057.